The following is an entry in ClinVar:

NM_001042432.2(CLN3):c.222+3A>T

Gene: CLN3 (CLN3 lysosomal/endosomal transmembrane protein, battenin; minus strand). Cytogenetic location: 16p12.1.
Variant type: single nucleotide variant.
Coding change: c.222+3A>T on transcript NM_001042432.2 (MANE Select); 3 bases into the intron after coding-DNA position 222, A replaced by T.
Molecular consequence: intron variant.
Genome position (GRCh38, 1-based): chr16:28,489,287, T>A on the plus strand (A>T on the coding strand, the complement: CLN3 is on the minus strand). VCF-style: chr16-28489287-T-A. GRCh37 (hg19) VCF-style: chr16-28500608-T-A.
Other names: c.60+3A>T (NM_001286109.2, NM_001286110.2); c.222+3A>T (NM_001286104.2, NM_000086.2); c.2+3A>T (NM_001286105.2).
Identifiers: ClinVar variation 2584852 (VCV002584852.1), dbSNP rs1268618515, ClinGen allele CA2582342518.

ClinVar aggregate classification (germline): Uncertain significance (1 of 4 stars; one submission).

Conditions:
Neuronal ceroid lipofuscinosis 3 (CLN3). Identifiers: Orphanet 228346, MedGen C0751383, MONDO:0008767, OMIM 204200.

Submission:

Neuberg Centre For Genomic Medicine, NCGM
Classification: Uncertain significance for Neuronal ceroid lipofuscinosis 3. Review status: criteria provided, single submitter. Criteria: ACMG Guidelines, 2015. Collection method: clinical testing. Allele origin: germline. Inheritance: Autosomal recessive inheritance. Affected: yes.
Comment: The c.222+3A>T splice region variant has not been reported previously as a pathogenic variant nor as a benign variant, to our knowledge. The c.222+3A>T variant is novel (not in any individuals) in gnomAD Exomes and 1000 Genomes. Spilicing tools are contradictory in their predictions and the site is weakly conserved across species.For these reasons, this variant has been classified as Variant of Uncertain Significance (VUS).